The following is an entry in ClinVar:

ClinVar aggregate classification (germline): Benign (1 of 4 stars; one submission).

Conditions:
Familial cancer of breast. Also called: hereditary breast carcinoma; BREAST CANCER, FAMILIAL; Hereditary breast cancer. Identifiers: Orphanet 227535, MedGen C0346153, MONDO:0016419, OMIM 114480. Disease mechanism: loss of function.

Submission:

Myriad Genetics, Inc.
Classification: Benign for Familial cancer of breast. Last evaluated: 2024-06-24. Review status: criteria provided, single submitter. Criteria: Myriad Autosomal Dominant, Autosomal Recessive and X-Linked Classification Criteria (2023). Collection method: clinical testing. Allele origin: unknown.
Comment: This variant is considered benign. This variant is a silent/synonymous amino acid change and it is not expected to impact splicing.

NM_000051.4(ATM):c.9027C>T (p.Val3009=)

Genes: ATM (ATM serine/threonine kinase; plus strand), C11orf65 (chromosome 11 open reading frame 65; minus strand). Cytogenetic location: 11q22.3.
Variant type: single nucleotide variant.
Coding change: c.9027C>T on transcript NM_000051.4 (MANE Select); coding-DNA position 9027, C replaced by T.
Protein change: p.Val3009=; no amino-acid change (valine 3009 retained).
Molecular consequence: synonymous variant. On other transcripts: intron variant (2).
Genome position (GRCh38, 1-based): chr11:108,365,364, C>T. VCF-style: chr11-108365364-C-T. GRCh37 (hg19) VCF-style: chr11-108236091-C-T.
Other names: c.9027C>T, p.Val3009= (NM_001351834.2); c.640+20556G>A (NM_001330368.2); c.694+20556G>A (NM_001351110.2).
Identifiers: ClinVar variation 3254113 (VCV003254113.1), dbSNP rs1200351979.